The following is an entry in ClinVar:

NM_000377.3(WAS):c.399G>T (p.Glu133Asp)

Gene: WAS (WASP actin nucleation promoting factor; plus strand). Cytogenetic location: Xp11.23.
Variant type: single nucleotide variant.
Coding change: c.399G>T on transcript NM_000377.3 (MANE Select); coding-DNA position 399, G replaced by T.
Protein change: p.Glu133Asp; replaces glutamic acid 133 with aspartic acid.
Molecular consequence: missense variant.
Genome position (GRCh38, 1-based): chrX:48,685,772, G>T. VCF-style: chrX-48685772-G-T. GRCh37 (hg19) VCF-style: chrX-48544161-G-T.
Other names: short protein forms E133D.
Identifiers: ClinVar variation 2925666 (VCV002925666.3), dbSNP rs2519280825, ClinGen allele CA412867667.

ClinVar aggregate classification (germline): Pathogenic (1 of 4 stars; one submission).

Conditions:
Thrombocytopenia 1. Also called: X-Linked Thrombocytopenia (XLT); THROMBOCYTOPENIA, X-LINKED, 1; X-linked thrombocytopenia with normal platelets. Identifiers: Orphanet 268322, Orphanet 852, MedGen C1839163, MONDO:0010743, OMIM 313900.
X-linked severe congenital neutropenia (SCNX). Identifiers: Orphanet 86788, MedGen C1845987, MONDO:0010294, OMIM 300299.
Wiskott-Aldrich syndrome (WAS). Also called: WISKOTT-ALDRICH SYNDROME 1; ALDRICH SYNDROME; IMMUNODEFICIENCY 2; Wiskott-aldrich syndrome, somatic. Identifiers: Orphanet 906, MedGen C0043194, MONDO:0010518, OMIM 301000.

Submission:

Labcorp Genetics (formerly Invitae), Labcorp
Classification: Pathogenic for Wiskott-Aldrich syndrome; X-linked severe congenital neutropenia; Thrombocytopenia 1. Last evaluated: 2024-03-17. Review status: criteria provided, single submitter. Criteria: Invitae Variant Classification Sherloc (09022015). Collection method: clinical testing. Allele origin: germline.
Comment: This sequence change replaces glutamic acid, which is acidic and polar, with aspartic acid, which is acidic and polar, at codon 133 of the WAS protein (p.Glu133Asp). This variant is not present in population databases (gnomAD no frequency). This missense change has been observed in individuals with Wiskott-Aldrich syndrome (PMID: 15284122, 22426750). Advanced modeling of protein sequence and biophysical properties (such as structural, functional, and spatial information, amino acid conservation, physicochemical variation, residue mobility, and thermodynamic stability) has been performed at Invitae for this missense variant, however the output from this modeling did not meet the statistical confidence thresholds required to predict the impact of this variant on WAS protein function. This variant disrupts the p.Glu133 amino acid residue in WAS. Other variant(s) that disrupt this residue have been observed in individuals with WAS-related conditions (PMID: 15284122, 17400488), which suggests that this may be a clinically significant amino acid residue. For these reasons, this variant has been classified as Pathogenic.

Literature cited by the submitters: PubMed 15284122; PubMed 22426750; PubMed 17400488.